The following is an entry in ClinVar:

ClinVar aggregate classification (germline): Uncertain significance. Review status: criteria provided, multiple submitters, no conflicts (2 of 4 stars). 2 submissions from 2 submitters: Uncertain significance (2). Last evaluated 2024-02-28.

Conditions:
Colorectal cancer. Also called: Colorectal cancer, somatic; Malignant Colorectal Neoplasm. Identifiers: MedGen C0346629, MONDO:0005575, OMIM 114500.

Allele frequency attached by ClinVar (database versions not stated): gnomAD 0.00001; ExAC 0.00008; gnomAD exomes 0.00003; TOPMed 0.00003.
gnomAD v4.1: 18 of 1,614,060 alleles (0.0011%); highest among the groups gnomAD compares: Admixed American, 0.03%; 1 homozygote.

Submissions (2):

Fulgent Genetics
Classification: Uncertain significance for Colorectal cancer. Last evaluated: 2024-02-28. Review status: criteria provided, single submitter. Criteria: ACMG Guidelines, 2015. Collection method: clinical testing. Allele origin: germline.

Labcorp Genetics (formerly Invitae), Labcorp
Classification: Uncertain significance. Last evaluated: 2022-07-25. Review status: criteria provided, single submitter. Criteria: Invitae Variant Classification Sherloc (09022015). Collection method: clinical testing. Allele origin: germline.
Comment: In summary, the available evidence is currently insufficient to determine the role of this variant in disease. Therefore, it has been classified as a Variant of Uncertain Significance. Algorithms developed to predict the effect of missense changes on protein structure and function (SIFT, PolyPhen-2, Align-GVGD) all suggest that this variant is likely to be tolerated. This variant has not been reported in the literature in individuals affected with DLC1-related conditions. This variant is present in population databases (rs762350131, gnomAD 0.04%). This sequence change replaces histidine, which is basic and polar, with tyrosine, which is neutral and polar, at codon 656 of the DLC1 protein (p.His656Tyr).

NM_182643.3(DLC1):c.1966C>T (p.His656Tyr)

Gene: DLC1 (DLC1 Rho GTPase activating protein; minus strand). Cytogenetic location: 8p22.
Variant type: single nucleotide variant.
Coding change: c.1966C>T on transcript NM_182643.3 (MANE Select); coding-DNA position 1966, C replaced by T.
Protein change: p.His656Tyr; replaces histidine 656 with tyrosine.
Molecular consequence: missense variant.
Genome position (GRCh38, 1-based): chr8:13,100,371, G>A on the plus strand (C>T on the coding strand, the complement: DLC1 is on the minus strand). VCF-style: chr8-13100371-G-A. GRCh37 (hg19) VCF-style: chr8-12957880-G-A.
Other names: c.433C>T, p.His145Tyr (NM_001164271.2, NM_001413133.1, NM_001413138.1 and 6 more transcripts); c.748C>T, p.His250Tyr (NM_001413130.1); c.406C>T, p.His136Tyr (NM_001413131.1, NM_001413137.1); c.892C>T, p.His298Tyr (NM_001413132.1); c.655C>T, p.His219Tyr (NM_001413135.1, NM_001413136.1, NM_001413139.1 and 1 more transcripts); c.757C>T, p.His253Tyr (NM_001316668.2, NM_001413129.1); c.1966C>T, p.His656Tyr (NM_001348081.2, NM_001413124.1); c.790C>T, p.His264Tyr (NM_001413140.1); short protein forms H253Y, H136Y, H145Y, H219Y, H250Y, H656Y, H264Y, H298Y.
Identifiers: ClinVar variation 2067807 (VCV002067807.5), dbSNP rs762350131, ClinGen allele CA4638752.